The following is an entry in ClinVar:

ClinVar aggregate classification (germline): Conflicting classifications of pathogenicity. Review status: criteria provided, conflicting classifications (1 of 4 stars). 5 submissions from 5 submitters: Uncertain significance (3); Likely benign (1). 1 of the submissions does not count toward it. Last evaluated 2025-11-18.

Conditions:
Congenital dyserythropoietic anemia, type II (CDAN2). Also called: DYSERYTHROPOIETIC ANEMIA, HEMPAS TYPE. Identifiers: Orphanet 98873, MedGen C1306589, MONDO:0009134, OMIM 224100.
Cowden syndrome 7 (CWS7). Identifiers: Orphanet 201, MedGen C4225179, MONDO:0014802, OMIM 616858.

Allele frequency attached by ClinVar (database versions not stated): TOPMed 0.00027; ESP Exome Variant Server 0.00031.

Submissions (5):

Labcorp Genetics (formerly Invitae), Labcorp
Classification: Likely benign for Congenital dyserythropoietic anemia, type II; Cowden syndrome 7. Last evaluated: 2025-11-18. Review status: criteria provided, single submitter. Criteria: Invitae Variant Classification Sherloc (09022015). Collection method: clinical testing. Allele origin: germline.

Mayo Clinic Laboratories, Mayo Clinic
Classification: Uncertain significance. Last evaluated: 2024-12-04. Review status: criteria provided, single submitter. Criteria: ACMG Guidelines, 2015. Collection method: clinical testing. Allele origin: germline. Observed: 2 variant alleles.
Comment: PM2_supporting

Blueprint Genetics
Classification: Uncertain significance. Last evaluated: 2024-09-03. Review status: criteria provided, single submitter. Criteria: ACMG Guidelines, 2015. Collection method: clinical testing. Allele origin: germline.

Breakthrough Genomics
Classification: Uncertain significance. Review status: criteria provided, single submitter. Criteria: ACMG Guidelines, 2015. Collection method: not provided. Allele origin: germline. Inheritance: Autosomal dominant inheritance. Affected: yes.

Clinical Genetics Laboratory, University Hospital Schleswig-Holstein
Classification: Likely pathogenic for Cowden syndrome 7. Last evaluated: 2021-08-31. Review status: no assertion criteria provided. Collection method: clinical testing. Allele origin: germline. Affected: yes. Not counted in ClinVar's aggregate classification.

NM_006363.6(SEC23B):c.985G>T (p.Ala329Ser)

Gene: SEC23B (SEC23 homolog B, COPII component; plus strand). Cytogenetic location: 20p11.23.
Variant type: single nucleotide variant.
Coding change: c.985G>T on transcript NM_006363.6 (MANE Select); coding-DNA position 985, G replaced by T.
Protein change: p.Ala329Ser; replaces alanine 329 with serine.
Molecular consequence: missense variant.
Genome position (GRCh38, 1-based): chr20:18,526,523, G>T. VCF-style: chr20-18526523-G-T. GRCh37 (hg19) VCF-style: chr20-18507167-G-T.
Other names: p.Ala329Ser; c.985G>T, p.Ala329Ser (NM_001172745.3, NM_032985.6, NM_032986.5); c.931G>T, p.Ala311Ser (NM_001172746.3); short protein forms A311S, A329S.
Identifiers: ClinVar variation 641435 (VCV000641435.12), dbSNP rs143417821, ClinGen allele CA9778176.
Genomic context (GRCh38, chr20:18,526,523, plus strand): 5'-AAGATTCCTATTCGTTCTTGGCATGATATTGAGAAAGATAATGCACGATTCATGAAAAAG[G>T]CAACCAAGGTAGGTGCTCTTGGGTATGGGCTGTAATTCTGAAAGCCCATTGTCAGGTTTG-3'
Protein context (NP_006354.2, residues 319-339): EKDNARFMKK[Ala329Ser]TKHYEMLANR